The following is an entry in ClinVar:

NM_003873.7(NRP1):c.507C>T (p.Asn169=)

Genes: NRP1 (neuropilin 1; minus strand), LOC126860910 (P300/CBP strongly-dependent group 1 enhancer GRCh37_chr10:33552654-33553853; plus strand). Cytogenetic location: 10p11.22.
Variant type: single nucleotide variant.
Coding change: c.507C>T on transcript NM_003873.7 (MANE Select); coding-DNA position 507, C replaced by T.
Protein change: p.Asn169=; no amino-acid change (asparagine 169 retained).
Molecular consequence: synonymous variant. On other transcripts: non-coding transcript variant (1).
Genome position (GRCh38, 1-based): chr10:33,263,797, G>A on the plus strand (C>T on the coding strand, the complement: NRP1 is on the minus strand). VCF-style: chr10-33263797-G-A. GRCh37 (hg19) VCF-style: chr10-33552725-G-A.
Other names: c.507C>T, p.Asn169= (NM_001024628.3, NM_001024629.3, NM_001244972.2 and 2 more transcripts).
Identifiers: ClinVar variation 3354097 (VCV003354097.1).

ClinVar aggregate classification (germline): Likely benign (0 of 4 stars; one submission).

Conditions:
NRP1-related disorder. Also called: NRP1-related condition.

Submission:

PreventionGenetics, part of Exact Sciences
Classification: Likely benign for NRP1-related condition. Last evaluated: 2022-04-10. Review status: no assertion criteria provided. Collection method: clinical testing. Allele origin: germline.
Comment: This variant is classified as likely benign based on ACMG/AMP sequence variant interpretation guidelines (Richards et al. 2015 PMID: 25741868, with internal and published modifications).